The following is an entry in ClinVar:

ClinVar aggregate classification (germline): Pathogenic (1 of 4 stars; one submission).

Conditions:
Congenital disorder of deglycosylation (CDDG). Identifiers: MedGen C3808991, MONDO:0031376.

Submission:

Labcorp Genetics (formerly Invitae), Labcorp
Classification: Pathogenic for Congenital disorder of deglycosylation. Last evaluated: 2024-10-15. Review status: criteria provided, single submitter. Criteria: Invitae Variant Classification Sherloc (09022015). Collection method: clinical testing. Allele origin: germline.
Comment: This sequence change creates a premature translational stop signal (p.Tyr333*) in the NGLY1 gene. It is expected to result in an absent or disrupted protein product. Loss-of-function variants in NGLY1 are known to be pathogenic (PMID: 24651605). This variant is not present in population databases (gnomAD no frequency). This variant has not been reported in the literature in individuals affected with NGLY1-related conditions. ClinVar contains an entry for this variant (Variation ID: 1070999). For these reasons, this variant has been classified as Pathogenic.

Literature cited by the submitters: PubMed 24651605.

NM_018297.4(NGLY1):c.999C>A (p.Tyr333Ter)

Gene: NGLY1 (N-glycanase 1; minus strand). Cytogenetic location: 3p24.2.
Variant type: single nucleotide variant.
Coding change: c.999C>A on transcript NM_018297.4 (MANE Select); coding-DNA position 999, C replaced by A.
Protein change: p.Tyr333Ter; replaces tyrosine 333 with a stop codon.
Molecular consequence: nonsense.
Genome position (GRCh38, 1-based): chr3:25,737,338, G>T on the plus strand (C>A on the coding strand, the complement: NGLY1 is on the minus strand). VCF-style: chr3-25737338-G-T. GRCh37 (hg19) VCF-style: chr3-25778829-G-T.
Other names: c.999C>A, p.Tyr333Ter (NM_001145293.2, NM_001145295.2); c.873C>A, p.Tyr291Ter (NM_001145294.2); short protein forms Y291*, Y333*.
Identifiers: ClinVar variation 1070999 (VCV001070999.5), dbSNP rs2125478800, ClinGen allele CA351901733.
Genomic context (GRCh38, chr3:25,737,338, plus strand): 5'-CCAAACCTGCAAGCCTGCAAAGCCCTACTACCCTCTGCTCATTCCACATTCTGTACCTGT[G>T]TAATCCCAAACATAGCGAGCTTCAAACCCTACAGCTCGGCAGCACAGTGTAAAACAATTG-3'